The following is an entry in ClinVar:

NM_032119.4(ADGRV1):c.558+186T>C

Gene: ADGRV1 (adhesion G protein-coupled receptor V1; plus strand). Cytogenetic location: 5q14.3.
Variant type: single nucleotide variant.
Coding change: c.558+186T>C on transcript NM_032119.4 (MANE Select); 186 bases into the intron after coding-DNA position 558, T replaced by C.
Molecular consequence: intron variant.
Genome position (GRCh38, 1-based): chr5:90,622,887, T>C. VCF-style: chr5-90622887-T-C. GRCh37 (hg19) VCF-style: chr5-89918704-T-C.
Identifiers: ClinVar variation 670329 (VCV000670329.1), dbSNP rs6891275, ClinGen allele CA11936527.

ClinVar aggregate classification (germline): Benign (1 of 4 stars; one submission).

Allele frequency attached by ClinVar (database versions not stated): gnomAD 0.76084 and 0.76192; TOPMed 0.77760; 1000 Genomes Project 30x 0.81855; 1000 Genomes Project 0.82069.
gnomAD v4.1: 115,693 of 152,100 alleles (76%); highest among the groups gnomAD compares: African/African-American, 92%; 44,928 homozygotes.

Submission:

GeneDx
Classification: Benign. Last evaluated: 2018-06-14. Review status: criteria provided, single submitter. Criteria: GeneDx Variant Classification (06012015). Collection method: clinical testing. Allele origin: germline. Affected: yes.
Comment: This variant is considered likely benign or benign based on one or more of the following criteria: it is a conservative change, it occurs at a poorly conserved position in the protein, it is predicted to be benign by multiple in silico algorithms, and/or has population frequency not consistent with disease.